The following is an entry in ClinVar:

NM_000466.3(PEX1):c.1214A>C (p.Glu405Ala)

Gene: PEX1 (peroxisomal biogenesis factor 1; minus strand). Cytogenetic location: 7q21.2.
Variant type: single nucleotide variant.
Coding change: c.1214A>C on transcript NM_000466.3 (MANE Select); coding-DNA position 1214, A replaced by C.
Protein change: p.Glu405Ala; replaces glutamic acid 405 with alanine.
Molecular consequence: missense variant.
Genome position (GRCh38, 1-based): chr7:92,517,301, T>G on the plus strand (A>C on the coding strand, the complement: PEX1 is on the minus strand). VCF-style: chr7-92517301-T-G. GRCh37 (hg19) VCF-style: chr7-92146615-T-G.
Other names: c.1214A>C, p.Glu405Ala (NM_001282677.2); c.590A>C, p.Glu197Ala (NM_001282678.2); short protein forms E197A, E405A.
Identifiers: ClinVar variation 2169295 (VCV002169295.1), dbSNP rs1171646215, ClinGen allele CA368197099.
Genomic context (GRCh38, chr7:92,517,301, plus strand): 5'-TAAAATTTCTCCCAAGTTATAAAATTTATACTAACCCAGACTTTCCCAAGATGGAGAACT[T>G]CTACATTTTTGGTATATTTGATGGCATTGTTCAATTCTTCAAGTCCATTCCAGACTACTT-3'
Protein context (NP_000457.1, residues 395-415): NNAIKYTKNV[Glu405Ala]VLHLGKVWIP

ClinVar aggregate classification (germline): Uncertain significance (1 of 4 stars; one submission).

Conditions:
Zellweger spectrum disorders (ZS). Also called: Zellweger Spectrum Disorder; Zellweger Spectrum; Zellweger syndrome; Zellweger Spectrum Disorder (ZSD). Identifiers: Orphanet 912, MedGen C0043459, MONDO:0019609.

Allele frequency attached by ClinVar (database versions not stated): gnomAD exomes 0.00001.
gnomAD v4.1: 7 of 1,613,852 alleles (0.00043%); highest among the groups gnomAD compares: Non-Finnish European, 0.00059%; no homozygotes.

Submission:

Labcorp Genetics (formerly Invitae), Labcorp
Classification: Uncertain significance for Zellweger spectrum disorders. Last evaluated: 2022-05-27. Review status: criteria provided, single submitter. Criteria: Invitae Variant Classification Sherloc (09022015). Collection method: clinical testing. Allele origin: germline.
Comment: This sequence change replaces glutamic acid, which is acidic and polar, with alanine, which is neutral and non-polar, at codon 405 of the PEX1 protein (p.Glu405Ala). This variant is not present in population databases (gnomAD no frequency). This variant has not been reported in the literature in individuals affected with PEX1-related conditions. Algorithms developed to predict the effect of missense changes on protein structure and function (SIFT, PolyPhen-2, Align-GVGD) all suggest that this variant is likely to be tolerated. In summary, the available evidence is currently insufficient to determine the role of this variant in disease. Therefore, it has been classified as a Variant of Uncertain Significance.